The following is an entry in ClinVar:

NM_000228.3(LAMB3):c.372+10C>T

Gene: LAMB3 (laminin subunit beta 3; minus strand). Cytogenetic location: 1q32.2.
Variant type: single nucleotide variant.
Coding change: c.372+10C>T on transcript NM_000228.3 (MANE Select); 10 bases into the intron after coding-DNA position 372, C replaced by T.
Molecular consequence: intron variant.
Genome position (GRCh38, 1-based): chr1:209,637,898, G>A on the plus strand (C>T on the coding strand, the complement: LAMB3 is on the minus strand). VCF-style: chr1-209637898-G-A. GRCh37 (hg19) VCF-style: chr1-209811243-G-A.
Other names: c.372+10C>T (NM_001127641.1, NM_001017402.2).
Identifiers: ClinVar variation 295142 (VCV000295142.18), dbSNP rs192386323, ClinGen allele CA1376014.

ClinVar aggregate classification (germline): Benign. Review status: criteria provided, multiple submitters, no conflicts (2 of 4 stars). 4 submissions from 4 submitters: Benign (4). Last evaluated 2026-01-29.

Conditions:
Junctional epidermolysis bullosa. Identifiers: Orphanet 305, MedGen C0079301, MONDO:0017612.

Allele frequency attached by ClinVar (database versions not stated): ESP Exome Variant Server 0.00038; gnomAD exomes 0.00214 and 0.01016; gnomAD 0.00302 and 0.00312; TOPMed 0.00616; 1000 Genomes Project 0.00659; 1000 Genomes Project 30x 0.00687; ExAC 0.00898.

Submissions (4):

Labcorp Genetics (formerly Invitae), Labcorp
Classification: Benign. Last evaluated: 2026-01-29. Review status: criteria provided, single submitter. Criteria: Invitae Variant Classification Sherloc (09022015). Collection method: clinical testing. Allele origin: germline.

GeneDx
Classification: Benign. Last evaluated: 2021-05-21. Review status: criteria provided, single submitter. Criteria: GeneDx Variant Classification Process June 2021. Collection method: clinical testing. Allele origin: germline. Affected: yes.

Illumina Laboratory Services, Illumina
Classification: Benign for Junctional epidermolysis bullosa. Last evaluated: 2018-01-12. Review status: criteria provided, single submitter. Criteria: ICSL Variant Classification Criteria 13 December 2019. Collection method: clinical testing. Allele origin: germline.
Comment: This variant was observed in the ICSL laboratory as part of a predisposition screen in an ostensibly healthy population. It had not been previously curated by ICSL or reported in the Human Gene Mutation Database (HGMD: prior to June 1st, 2018), and was therefore a candidate for classification through an automated scoring system. Utilizing variant allele frequency, disease prevalence and penetrance estimates, and inheritance mode, an automated score was calculated to assess if this variant is too frequent to cause the disease. Based on the score and internal cut-off values, a variant classified as benign is not then subjected to further curation. The score for this variant resulted in a classification of benign for this disease.

Breakthrough Genomics
Classification: Benign. Review status: criteria provided, single submitter. Criteria: ACMG Guidelines, 2015. Collection method: not provided. Allele origin: germline. Inheritance: Autosomal recessive inheritance. Affected: yes.